The following is an entry in ClinVar:

ClinVar aggregate classification (germline): Uncertain significance (1 of 4 stars; one submission).

Conditions:
Aicardi-Goutieres syndrome 3. Identifiers: Orphanet 51, MedGen C1835916, MONDO:0012471, OMIM 610329.

Allele frequency attached by ClinVar (database versions not stated): TOPMed 0.00002; gnomAD 0.00001.
gnomAD v4.1: 29 of 1,614,132 alleles (0.0018%); highest among the groups gnomAD compares: African/African-American, 0.0027%; no homozygotes.

Submission:

Labcorp Genetics (formerly Invitae), Labcorp
Classification: Uncertain significance for Aicardi-Goutieres syndrome 3. Last evaluated: 2024-10-23. Review status: criteria provided, single submitter. Criteria: Invitae Variant Classification Sherloc (09022015). Collection method: clinical testing. Allele origin: germline.
Comment: This sequence change affects a donor splice site in intron 2 of the RNASEH2C gene. It is expected to disrupt RNA splicing. Variants that disrupt the donor or acceptor splice site typically lead to a loss of protein function (PMID: 16199547), however the current clinical and genetic evidence is not sufficient to establish whether loss-of-function variants in RNASEH2C cause disease. This variant is present in population databases (no rsID available, gnomAD 0.002%). Disruption of this splice site has been observed in individual(s) with RNASEH2C-related condition (PMID: 25500883). ClinVar contains an entry for this variant (Variation ID: 1409111). Algorithms developed to predict the effect of variants on gene product structure and function are not available or were not evaluated for this variant. Experimental studies have shown that disruption of this splice site affects RNASEH2C function (PMID: 25500883). Algorithms developed to predict the effect of sequence changes on RNA splicing suggest that this variant may disrupt the consensus splice site. In summary, the available evidence is currently insufficient to determine the role of this variant in disease. Therefore, it has been classified as a Variant of Uncertain Significance.

Literature cited by the submitters: PubMed 16199547; PubMed 25500883.

NM_032193.4(RNASEH2C):c.348+1G>A

Gene: RNASEH2C (ribonuclease H2 subunit C; minus strand). Cytogenetic location: 11q13.1.
Variant type: single nucleotide variant.
Coding change: c.348+1G>A on transcript NM_032193.4 (MANE Select); the canonical splice donor site of the intron after coding-DNA position 348, G replaced by A.
Molecular consequence: splice donor variant.
Genome position (GRCh38, 1-based): chr11:65,720,241, C>T on the plus strand (G>A on the coding strand, the complement: RNASEH2C is on the minus strand). VCF-style: chr11-65720241-C-T. GRCh37 (hg19) VCF-style: chr11-65487712-C-T.
Identifiers: ClinVar variation 1409111 (VCV001409111.5), dbSNP rs747248530, ClinGen allele CA381298489.